The following is an entry in ClinVar:

NM_003246.4(THBS1):c.2385C>T (p.Asp795=)

Gene: THBS1 (thrombospondin 1; plus strand). Cytogenetic location: 15q14.
Variant type: single nucleotide variant.
Coding change: c.2385C>T on transcript NM_003246.4 (MANE Select); coding-DNA position 2385, C replaced by T.
Protein change: p.Asp795=; no amino-acid change (aspartic acid 795 retained).
Molecular consequence: synonymous variant.
Genome position (GRCh38, 1-based): chr15:39,591,322, C>T. VCF-style: chr15-39591322-C-T. GRCh37 (hg19) VCF-style: chr15-39883523-C-T.
Identifiers: ClinVar variation 3039832 (VCV003039832.2), dbSNP rs147749994, ClinGen allele CA7472215.
Genomic context (GRCh38, chr15:39,591,322, plus strand): 5'-CAACTGTCCCTACAACCACAACCCAGATCAGGCAGACACAGACAACAATGGGGAAGGAGA[C>T]GCCTGTGCTGCAGACATTGATGGAGACGGTAAGGTGCTGCCTGATCAGAGGGCCCGCGGG-3'
Protein context (NP_003237.2, residues 785-805): QADTDNNGEG[Asp795=]ACAADIDGDG

ClinVar aggregate classification (germline): Likely benign (0 of 4 stars; one submission).

Conditions:
THBS1-related disorder. Also called: THBS1-related condition.

Allele frequency attached by ClinVar (database versions not stated): gnomAD exomes 0.00006; ExAC 0.00017; gnomAD 0.00072; TOPMed 0.00083; ESP Exome Variant Server 0.00100.
gnomAD v4.1: 205 of 1,614,018 alleles (0.013%); highest among the groups gnomAD compares: African/African-American, 0.21%; no homozygotes.

Submission:

PreventionGenetics, part of Exact Sciences
Classification: Likely benign for THBS1-related condition. Last evaluated: 2019-09-19. Review status: no assertion criteria provided. Collection method: clinical testing. Allele origin: germline.
Comment: This variant is classified as likely benign based on ACMG/AMP sequence variant interpretation guidelines (Richards et al. 2015 PMID: 25741868, with internal and published modifications).